The following is an entry in ClinVar:

NM_001193451.2(TMTC1):c.546G>A (p.Ser182=)

Gene: TMTC1 (transmembrane O-mannosyltransferase targeting cadherins 1; minus strand). Cytogenetic location: 12p11.22.
Variant type: single nucleotide variant.
Coding change: c.546G>A on transcript NM_001193451.2 (MANE Select); coding-DNA position 546, G replaced by A.
Protein change: p.Ser182=; no amino-acid change (serine 182 retained).
Molecular consequence: synonymous variant.
Genome position (GRCh38, 1-based): chr12:29,758,712, C>T on the plus strand (G>A on the coding strand, the complement: TMTC1 is on the minus strand). VCF-style: chr12-29758712-C-T. GRCh37 (hg19) VCF-style: chr12-29911645-C-T.
Other names: c.546G>A, p.Ser182= (NM_001367875.2); c.222G>A, p.Ser74= (NM_175861.3).
Identifiers: ClinVar variation 2642809 (VCV002642809.24), dbSNP rs146162779, ClinGen allele CA6498345.
Genomic context (GRCh38, chr12:29,758,712, plus strand): 5'-CACACACGGCACAGTTGCGATCACAGAGAAGGGCATTCTTAGCTACACATACCTGTTGTA[C>T]GAGAGAAAGGCCAATAGAAACAGCAGACACGCTAACACGTCCGCTCTGCCAACGATCCCA-3'
Protein context (NP_001180380.1, residues 172-192): ACLLFLLAFL[Ser182=]YNRSLDQGCV

ClinVar aggregate classification (germline): Likely benign (1 of 4 stars; one submission).

Allele frequency attached by ClinVar (database versions not stated): ExAC 0.00007; TOPMed 0.00007; gnomAD 0.00009; ESP Exome Variant Server 0.00023; 1000 Genomes Project 30x 0.00031; 1000 Genomes Project 0.00040.
gnomAD v4.1: 55 of 1,613,180 alleles (0.0034%); highest among the groups gnomAD compares: African/African-American, 0.021%; no homozygotes.

Submission:

CeGaT Center for Human Genetics Tuebingen
Classification: Likely benign. Last evaluated: 2022-11-01. Review status: criteria provided, single submitter. Criteria: CeGaT Center For Human Genetics Tuebingen Variant Classification Criteria Version 2. Collection method: clinical testing. Allele origin: germline. Affected: yes. Observed: 1 variant allele.
Comment: TMTC1: BP4, BP7